The following is an entry in ClinVar:

NM_000466.3(PEX1):c.1659G>C (p.Leu553=)

Gene: PEX1 (peroxisomal biogenesis factor 1; minus strand). Cytogenetic location: 7q21.2.
Variant type: single nucleotide variant.
Coding change: c.1659G>C on transcript NM_000466.3 (MANE Select); coding-DNA position 1659, G replaced by C.
Protein change: p.Leu553=; no amino-acid change (leucine 553 retained).
Molecular consequence: synonymous variant.
Genome position (GRCh38, 1-based): chr7:92,509,340, C>G on the plus strand (G>C on the coding strand, the complement: PEX1 is on the minus strand). VCF-style: chr7-92509340-C-G. GRCh37 (hg19) VCF-style: chr7-92138654-C-G.
Other names: c.1659G>C (NM_000466.2); c.1659G>C, p.Leu553= (NM_001282677.2); c.1035G>C, p.Leu345= (NM_001282678.2).
Identifiers: ClinVar variation 1086486 (VCV001086486.10), dbSNP rs562108145, ClinGen allele CA4341346.

ClinVar aggregate classification (germline): Likely benign. Review status: criteria provided, multiple submitters, no conflicts (2 of 4 stars). 2 submissions from 2 submitters: Likely benign (2). Last evaluated 2025-09-12.

Conditions:
PEX1-related disorder. Also called: PEX1-related condition.
Zellweger spectrum disorders (ZS). Also called: Zellweger Spectrum Disorder; Zellweger Spectrum; Zellweger syndrome; Zellweger Spectrum Disorder (ZSD). Identifiers: Orphanet 912, MedGen C0043459, MONDO:0019609.

Allele frequency attached by ClinVar (database versions not stated): gnomAD exomes 0.00003 and 0.00007; ExAC 0.00011; 1000 Genomes Project 30x 0.00016; 1000 Genomes Project 0.00020; TOPMed below 0.00001; gnomAD 0.00001.
gnomAD v4.1: 46 of 1,611,392 alleles (0.0029%); highest among the groups gnomAD compares: South Asian, 0.049%; no homozygotes.

Submissions (2):

Labcorp Genetics (formerly Invitae), Labcorp
Classification: Likely benign for Zellweger spectrum disorders. Last evaluated: 2025-09-12. Review status: criteria provided, single submitter. Criteria: Invitae Variant Classification Sherloc (09022015). Collection method: clinical testing. Allele origin: germline.

PreventionGenetics, part of Exact Sciences
Classification: Likely benign for PEX1-related condition. Last evaluated: 2025-03-17. Review status: criteria provided, single submitter. Criteria: ACMG Guidelines, 2015. Collection method: clinical testing. Allele origin: germline.
Comment: This variant is classified as likely benign based on ACMG/AMP sequence variant interpretation guidelines (Richards et al. 2015 PMID: 25741868, with internal and published modifications).